The following is an entry in ClinVar:

ClinVar aggregate classification (germline): Uncertain significance (1 of 4 stars; one submission).

Conditions:
Glycogen storage disease, type II (IOPD). Also called: CARDIOMEGALIA GLYCOGENICA DIFFUSA; GLYCOGENOSIS, GENERALIZED, CARDIAC FORM; GSD II; POMPE DISEASE, INFANTILE-ONSET; GLYCOGEN STORAGE DISEASE II, INFANTILE-ONSET; ACID ALPHA-GLUCOSIDASE DEFICIENCY, INFANTILE-ONSET. Identifiers: Orphanet 365, MedGen C0017921, MONDO:0009290, OMIM 232300.

gnomAD v4.1: 1 of 1,602,436 alleles (0.000062%); highest among the groups gnomAD compares: Non-Finnish European, 0.000085%; no homozygotes.

Submission:

Labcorp Genetics (formerly Invitae), Labcorp
Classification: Uncertain significance for Glycogen storage disease, type II. Last evaluated: 2025-06-09. Review status: criteria provided, single submitter. Criteria: Invitae Variant Classification Sherloc (09022015). Collection method: clinical testing. Allele origin: germline.
Comment: This sequence change replaces lysine, which is basic and polar, with threonine, which is neutral and polar, at codon 697 of the GAA protein (p.Lys697Thr). This variant is not present in population databases (gnomAD no frequency). This variant has not been reported in the literature in individuals affected with GAA-related conditions. Invitae Evidence Modeling of protein sequence and biophysical properties (such as structural, functional, and spatial information, amino acid conservation, physicochemical variation, residue mobility, and thermodynamic stability) has been performed for this missense variant. However, the output from this modeling did not meet the statistical confidence thresholds required to predict the impact of this variant on GAA protein function. In summary, the available evidence is currently insufficient to determine the role of this variant in disease. Therefore, it has been classified as a Variant of Uncertain Significance.

NM_000152.5(GAA):c.2090A>C (p.Lys697Thr)

Gene: GAA (alpha glucosidase; plus strand). Cytogenetic location: 17q25.3.
Variant type: single nucleotide variant.
Coding change: c.2090A>C on transcript NM_000152.5 (MANE Select); coding-DNA position 2090, A replaced by C.
Protein change: p.Lys697Thr; replaces lysine 697 with threonine.
Molecular consequence: missense variant.
Genome position (GRCh38, 1-based): chr17:80,113,267, A>C. VCF-style: chr17-80113267-A-C. GRCh37 (hg19) VCF-style: chr17-78087066-A-C.
Other names: c.2090A>C, p.Lys697Thr (NM_001079803.3, NM_001079804.3, NM_001406741.1 and 1 more transcripts); short protein forms K697T.
Identifiers: ClinVar variation 4810037 (VCV004810037.1).